The following is an entry in ClinVar:

ClinVar aggregate classification (germline): Likely benign. Review status: criteria provided, multiple submitters, no conflicts (2 of 4 stars). 4 submissions from 4 submitters: Likely benign (4). Last evaluated 2026-01-27.

Conditions:
Pityriasis rubra pilaris (PRP). Also called: Pityriasis rubra pilaris--familial type. Identifiers: Orphanet 2897, MedGen C0032027, MONDO:0100017, OMIM 173200, MONDO:0008251.
Psoriasis 2. Identifiers: MedGen C1864497, MONDO:0011269, OMIM 602723.
Autoinflammatory syndrome. Identifiers: Orphanet 93665, MedGen C3890737, MONDO:0019751.

Allele frequency attached by ClinVar (database versions not stated): TOPMed 0.00014; ESP Exome Variant Server 0.00015; ExAC 0.00016; gnomAD 0.00016.
gnomAD v4.1: 285 of 1,612,866 alleles (0.018%); highest among the groups gnomAD compares: Non-Finnish European, 0.023%; 1 homozygote.

Submissions (4):

Labcorp Genetics (formerly Invitae), Labcorp
Classification: Likely benign for Pityriasis rubra pilaris; Psoriasis 2. Last evaluated: 2026-01-27. Review status: criteria provided, single submitter. Criteria: Invitae Variant Classification Sherloc (09022015). Collection method: clinical testing. Allele origin: germline.

CeGaT Center for Human Genetics Tuebingen
Classification: Likely benign. Last evaluated: 2026-01-01. Review status: criteria provided, single submitter. Criteria: CeGaT Center For Human Genetics Tuebingen Variant Classification Criteria Version 2. Collection method: clinical testing. Allele origin: germline. Affected: yes. Observed: 3 variant alleles.
Comment: CARD14: BP4, BP7

Blueprint Genetics
Classification: Likely benign. Last evaluated: 2024-09-23. Review status: criteria provided, single submitter. Criteria: ACMG Guidelines, 2015. Collection method: clinical testing. Allele origin: germline.

Genome Diagnostics Laboratory, The Hospital for Sick Children
Classification: Likely benign for Autoinflammatory syndrome. Last evaluated: 2020-12-24. Review status: criteria provided, single submitter. Criteria: ACMG Guidelines, 2015. Collection method: clinical testing. Allele origin: germline. Affected: yes.

NM_001366385.1(CARD14):c.1728G>A (p.Gly576=)

Gene: CARD14 (caspase recruitment domain family member 14; plus strand). Cytogenetic location: 17q25.3.
Variant type: single nucleotide variant.
Coding change: c.1728G>A on transcript NM_001366385.1 (MANE Select); coding-DNA position 1728, G replaced by A.
Protein change: p.Gly576=; no amino-acid change (glycine 576 retained).
Molecular consequence: synonymous variant. On other transcripts: non-coding transcript variant (1).
Genome position (GRCh38, 1-based): chr17:80,198,468, G>A. VCF-style: chr17-80198468-G-A. GRCh37 (hg19) VCF-style: chr17-78172267-G-A.
Other names: c.1728G>A, p.Gly576= (NM_001257970.1, NM_024110.4); c.1017G>A, p.Gly339= (NM_052819.3).
Identifiers: ClinVar variation 374513 (VCV000374513.54), dbSNP rs375480599, ClinGen allele CA8816964.